The following is an entry in ClinVar:

NM_005321.3(H1-4):c.14C>T (p.Ala5Val)

Gene: H1-4 (H1.4 linker histone, cluster member; plus strand). Cytogenetic location: 6p22.2.
Variant type: single nucleotide variant.
Coding change: c.14C>T on transcript NM_005321.3 (MANE Select); coding-DNA position 14, C replaced by T.
Protein change: p.Ala5Val; replaces alanine 5 with valine.
Molecular consequence: missense variant.
Genome position (GRCh38, 1-based): chr6:26,156,404, C>T. VCF-style: chr6-26156404-C-T. GRCh37 (hg19) VCF-style: chr6-26156632-C-T.
Other names: c.14C>T (NM_005321.2); short protein forms A5V.
Identifiers: ClinVar variation 2656299 (VCV002656299.25), dbSNP rs770963016, ClinGen allele CA3667821.

ClinVar aggregate classification (germline): Likely benign. Review status: criteria provided, multiple submitters, no conflicts (2 of 4 stars). 2 submissions from 2 submitters: Likely benign (2). Last evaluated 2025-08-01.

Allele frequency attached by ClinVar (database versions not stated): gnomAD 0.00005; TOPMed 0.00005; gnomAD exomes 0.00008; ExAC 0.00011.
gnomAD v4.1: 124 of 1,584,790 alleles (0.0078%); highest among the groups gnomAD compares: Non-Finnish European, 0.0096%; 1 homozygote.

Submissions (2):

CeGaT Center for Human Genetics Tuebingen
Classification: Likely benign. Last evaluated: 2025-08-01. Review status: criteria provided, single submitter. Criteria: CeGaT Center For Human Genetics Tuebingen Variant Classification Criteria Version 2. Collection method: clinical testing. Allele origin: germline. Affected: yes. Observed: 2 variant alleles.
Comment: H1-4: BS2

Ambry Genetics
Classification: Likely benign. Last evaluated: 2024-10-20. Review status: criteria provided, single submitter. Criteria: Ambry Variant Classification Scheme 2023. Collection method: clinical testing. Allele origin: germline.